The following is an entry in ClinVar:

NM_001042492.3(NF1):c.3321C>G (p.Phe1107Leu)

Gene: NF1 (neurofibromin 1; plus strand). Cytogenetic location: 17q11.2.
Variant type: single nucleotide variant.
Coding change: c.3321C>G on transcript NM_001042492.3 (MANE Select); coding-DNA position 3321, C replaced by G.
Protein change: p.Phe1107Leu; replaces phenylalanine 1107 with leucine.
Molecular consequence: missense variant.
Genome position (GRCh38, 1-based): chr17:31,232,706, C>G. VCF-style: chr17-31232706-C-G. GRCh37 (hg19) VCF-style: chr17-29559724-C-G.
Other names: c.3321C>G, p.Phe1107Leu (NM_000267.4); short protein forms F1107L.
Identifiers: ClinVar variation 4023728 (VCV004023728.1).

ClinVar aggregate classification (germline): Uncertain significance (1 of 4 stars; one submission).

Conditions:
Cardiovascular phenotype. Identifiers: MedGen CN230736.
Hereditary cancer-predisposing syndrome. Also called: Tumor predisposition; Hereditary neoplastic syndrome; Neoplastic Syndromes, Hereditary; Hereditary Cancer Syndrome. Identifiers: Orphanet 140162, MedGen C0027672, MeSH D009386, MONDO:0015356.

Submission:

Ambry Genetics
Classification: Uncertain significance for Cardiovascular phenotype; Hereditary cancer-predisposing syndrome. Last evaluated: 2025-04-20. Review status: criteria provided, single submitter. Criteria: Ambry Variant Classification Scheme 2023. Collection method: clinical testing. Allele origin: germline.
Comment: The p.F1107L variant (also known as c.3321C>G), located in coding exon 26 of the NF1 gene, results from a C to G substitution at nucleotide position 3321. The phenylalanine at codon 1107 is replaced by leucine, an amino acid with highly similar properties. This amino acid position is conserved. In addition, the in silico prediction for this alteration is inconclusive. Based on the available evidence, the clinical significance of this variant remains unclear.